The following is an entry in ClinVar:

NM_012434.5(SLC17A5):c.819+52G>A

Gene: SLC17A5 (solute carrier family 17 member 5; minus strand). Cytogenetic location: 6q13.
Variant type: single nucleotide variant.
Coding change: c.819+52G>A on transcript NM_012434.5 (MANE Select); 52 bases into the intron after coding-DNA position 819, G replaced by A.
Molecular consequence: intron variant.
Genome position (GRCh38, 1-based): chr6:73,635,330, C>T on the plus strand (G>A on the coding strand, the complement: SLC17A5 is on the minus strand). VCF-style: chr6-73635330-C-T. GRCh37 (hg19) VCF-style: chr6-74345053-C-T.
Identifiers: ClinVar variation 672080 (VCV000672080.4), dbSNP rs520589, ClinGen allele CA140971918.

ClinVar aggregate classification (germline): Benign. Review status: criteria provided, multiple submitters, no conflicts (2 of 4 stars). 3 submissions from 2 submitters: Benign (3). Last evaluated 2021-07-10.

Conditions:
Sialic acid storage disease, severe infantile type (ISSD). Also called: INFANTILE SIALIC ACID STORAGE DISORDER; Free sialic acid storage disease, infantile form; N-ACETYLNEURAMINIC ACID STORAGE DISEASE; NANA STORAGE DISEASE; SIALURIA, INFANTILE FORM; Infantile Sialic Acid Storage Disease. Identifiers: Orphanet 309324, Orphanet 834, MedGen C1096902, MONDO:0010027, OMIM 269920.
Salla disease (SD). Also called: Sialuria, Finnish type; N-acetylneuraminic acid (NANA) storage disease (NSD); Infantile sialic acid storage disorder (ISSD); Less Severe FSASD (Salla Disease). Identifiers: Orphanet 309334, Orphanet 834, MedGen C1096903, MONDO:0011449, OMIM 604369.

Allele frequency attached by ClinVar (database versions not stated): gnomAD exomes 0.09179; ESP Exome Variant Server 0.15915; gnomAD 0.16424 and 0.16798; TOPMed 0.18057; 1000 Genomes Project 0.19848; 1000 Genomes Project 30x 0.20753.
gnomAD v4.1: 103,383 of 996,402 alleles (10%); highest among the groups gnomAD compares: African/African-American, 35%; 8,221 homozygotes.

Submissions (3):

Genome-Nilou Lab
Classification: Benign for Salla disease. Last evaluated: 2021-07-10. Review status: criteria provided, single submitter. Criteria: ACMG Guidelines, 2015. Collection method: clinical testing. Allele origin: germline. Affected: no.

Genome-Nilou Lab
Classification: Benign for Sialic acid storage disease, severe infantile type. Last evaluated: 2021-07-10. Review status: criteria provided, single submitter. Criteria: ACMG Guidelines, 2015. Collection method: clinical testing. Allele origin: germline. Affected: no.

GeneDx
Classification: Benign. Last evaluated: 2018-06-19. Review status: criteria provided, single submitter. Criteria: GeneDx Variant Classification (06012015). Collection method: clinical testing. Allele origin: germline. Affected: yes.
Comment: This variant is considered likely benign or benign based on one or more of the following criteria: it is a conservative change, it occurs at a poorly conserved position in the protein, it is predicted to be benign by multiple in silico algorithms, and/or has population frequency not consistent with disease.